The following is an entry in ClinVar:

ClinVar aggregate classification (germline): Uncertain significance (1 of 4 stars; one submission).

Submission:

Labcorp Genetics (formerly Invitae), Labcorp
Classification: Uncertain significance. Last evaluated: 2023-08-10. Review status: criteria provided, single submitter. Criteria: Invitae Variant Classification Sherloc (09022015). Collection method: clinical testing. Allele origin: germline.
Comment: In summary, the available evidence is currently insufficient to determine the role of this variant in disease. Therefore, it has been classified as a Variant of Uncertain Significance. Experimental studies and prediction algorithms are not available or were not evaluated, and the functional significance of this variant is currently unknown. This variant has not been reported in the literature in individuals affected with FAM111A-related conditions. This variant is present in population databases (rs563749342, gnomAD 0.005%). This sequence change creates a premature translational stop signal (p.Asp388Alafs*7) in the FAM111A gene. While this is not anticipated to result in nonsense mediated decay, it is expected to disrupt the last 224 amino acid(s) of the FAM111A protein.

NM_001312909.2(FAM111A):c.1163_1166del (p.Asp388fs)

Gene: FAM111A (FAM111 trypsin like peptidase A; plus strand). Cytogenetic location: 11q12.1.
Variant type: Microsatellite.
Coding change: c.1163_1166del on transcript NM_001312909.2 (MANE Select); coding-DNA positions 1163 to 1166, 4 bases deleted (ATAG; older notation c.1163_1166delATAG).
Protein change: p.Asp388fs; shifts the reading frame from aspartic acid 388.
Molecular consequence: frameshift variant.
Genome position (GRCh38, 1-based): chr11:59,152,831-59,152,834, ATAG deleted; deleting any 4 consecutive bases within chr11:59,152,827-59,152,834 gives the same sequence; the c. name uses the placement nearest the transcript's 3' end. VCF-style (leftmost placement, unchanged base first): chr11-59152826-AATAG-A. GRCh37 (hg19) VCF-style: chr11-58920299-AATAG-A.
Other names: c.1163_1166del, p.Asp388fs (NM_001142519.3, NM_001142520.3, NM_001142521.3 and 29 more transcripts); short protein forms D388fs.
Identifiers: ClinVar variation 3002005 (VCV003002005.3), dbSNP rs563749342, ClinGen allele CA223177877.